The following is an entry in ClinVar:

NM_007294.4(BRCA1):c.3823A>G (p.Ile1275Val)

Genes: BRCA1 (BRCA1 DNA repair associated; minus strand), LOC126862571 (BRD4-independent group 4 enhancer GRCh37_chr17:41243136-41244335; plus strand). Cytogenetic location: 17q21.31.
Variant type: single nucleotide variant.
Coding change: c.3823A>G on transcript NM_007294.4 (MANE Select); coding-DNA position 3823, A replaced by G.
Protein change: p.Ile1275Val; replaces isoleucine 1275 with valine.
Molecular consequence: missense variant. On other transcripts: intron variant (135).
Genome position (GRCh38, 1-based): chr17:43,091,708, T>C on the plus strand (A>G on the coding strand, the complement: BRCA1 is on the minus strand). VCF-style: chr17-43091708-T-C. GRCh37 (hg19) VCF-style: chr17-41243725-T-C.
Other names: p.I1275V:ATA>GTA; c.3697A>G, p.Ile1233Val (NM_001407686.1, NM_001407687.1, NM_001407688.1 and 11 more transcripts); c.3682A>G, p.Ile1228Val (NM_001407692.1, NM_001407694.1, NM_001407695.1 and 29 more transcripts); c.3679A>G, p.Ile1227Val (NM_001407740.1, NM_001407741.1, NM_001407742.1 and 20 more transcripts); c.3610A>G, p.Ile1204Val (NM_001407853.1, NM_001407894.1, NM_001407895.1 and 9 more transcripts); c.3823A>G, p.Ile1275Val (NM_001407854.1, NM_001407858.1, NM_001407859.1 and 30 more transcripts); c.3820A>G, p.Ile1274Val (NM_001407860.1, NM_001407861.1, NM_001407610.1 and 22 more transcripts); c.3622A>G, p.Ile1208Val (NM_001407862.1); and 42 more; short protein forms I1275V, I1228V, I1107V, I1147V, I1205V, I1227V, I1233V, I407V.
Identifiers: ClinVar variation 37549 (VCV000037549.88), dbSNP rs80357280, ClinGen allele CA002464.
Genomic context (GRCh38, chr17:43,091,708, plus strand): 5'-AGCTAGCAGAACATTTTGTTTCCTCACTAAGGTGATGTTCCTGAGATGCCTTTGCCAATA[T>C]TACCTGGTTACTGCAGTCATTTAAGCTATTCTTCAATGATAATAAATTCTCCTCTGTGTT-3'
Protein context (NP_009225.1, residues 1265-1285): NSLNDCSNQV[Ile1275Val]LAKASQEHHL

ClinVar aggregate classification (germline): Benign. Review status: reviewed by expert panel (3 of 4 stars). 26 submissions from 26 submitters: Benign (1). 25 of the submissions do not count toward it. Last evaluated 2019-06-18.

Conditions:
BRCA1-related disorder. Also called: BRCA1-related condition.
Familial cancer of breast. Also called: BREAST CANCER, FAMILIAL; Hereditary breast cancer; hereditary breast carcinoma. Identifiers: Orphanet 227535, MedGen C0346153, MONDO:0016419, OMIM 114480. Disease mechanism: loss of function.
Breast-ovarian cancer, familial, susceptibility to, 1 (BROVCA1). Also called: OVARIAN CANCER, SUSCEPTIBILITY TO; BRCA1 Hereditary Breast and Ovarian Cancer. Identifiers: Orphanet 145, MedGen C2676676, MONDO:0011450, OMIM 604370. Disease mechanism: loss of function.
Fanconi anemia, complementation group S (FANCS). Identifiers: MedGen C4554406, MONDO:0054748, OMIM 617883.
Hereditary cancer-predisposing syndrome. Also called: Neoplastic Syndromes, Hereditary; Tumor predisposition; Hereditary Cancer Syndrome; Hereditary neoplastic syndrome. Identifiers: Orphanet 140162, MedGen C0027672, MeSH D009386, MONDO:0015356.
Hereditary breast ovarian cancer syndrome. Also called: Hereditary breast and ovarian cancer; Breast and ovarian cancer; Hereditary breast and/or ovarian cancer syndrome; Hereditary breast and ovarian cancer syndrome (HBOC); Hereditary breast and ovarian cancer syndrome; BRCA1- and BRCA2-Associated Hereditary Breast and Ovarian Cancer. Identifiers: Orphanet 145, MedGen C0677776, MeSH D061325, MONDO:0003582. Disease mechanism: loss of function.

Allele frequency attached by ClinVar (database versions not stated): gnomAD exomes 0.00007 and 0.00017; ESP Exome Variant Server 0.00008; gnomAD 0.00011; ExAC 0.00012; 1000 Genomes Project 30x 0.00031; TOPMed 0.00032; 1000 Genomes Project 0.00040.
gnomAD v4.1: 128 of 1,614,218 alleles (0.0079%); highest among the groups gnomAD compares: Admixed American, 0.072%; no homozygotes.

Submissions 1 to 14 of 26:

Evidence-based Network for the Interpretation of Germline Mutant Alleles (ENIGMA)
Classification: Benign for Breast-ovarian cancer, familial, susceptibility to, 1. Last evaluated: 2019-06-18. Review status: reviewed by expert panel. Criteria: ENIGMA BRCA1/2 Classification Criteria (2017-06-29). Collection method: curation. Allele origin: germline.
Comment: IARC class based on posterior probability from multifactorial likelihood analysis, thresholds for class as per Plon et al. 2008 (PMID: 18951446). Class 1 based on posterior probability = 4.02E-06

Labcorp Genetics (formerly Invitae), Labcorp
Classification: Benign for Hereditary breast ovarian cancer syndrome. Last evaluated: 2026-01-23. Review status: criteria provided, single submitter. Criteria: Invitae Variant Classification Sherloc (09022015). Collection method: clinical testing. Allele origin: germline. Not counted in ClinVar's aggregate classification.

Dasa
Classification: Likely benign for Breast-ovarian cancer, familial, susceptibility to, 1. Last evaluated: 2025-12-01. Review status: criteria provided, single submitter. Criteria: DASA Assertion Criteria. Collection method: clinical testing. Allele origin: germline. Not counted in ClinVar's aggregate classification.
Comment: NM_007294.4(BRCA1):c.3823A>G (p.Ile1275Val) is a missense variant that results in the substitution of isoleucine with valine. Population frequency is inconsistent with a disease-causing role for this variant, and the variant context is inconsistent with a known disease-causing mechanism. Therefore, based on the currently available evidence, this variant is classified as likely benign.

Center for Genomic Medicine, Rigshospitalet, Copenhagen University Hospital
Classification: Benign. Last evaluated: 2025-03-04. Review status: criteria provided, single submitter. Criteria: ACMG Guidelines, 2015. Collection method: clinical testing. Allele origin: germline. Not counted in ClinVar's aggregate classification.

Blueprint Genetics
Classification: Likely benign. Last evaluated: 2024-10-16. Review status: criteria provided, single submitter. Criteria: ACMG Guidelines, 2015. Collection method: clinical testing. Allele origin: germline. Not counted in ClinVar's aggregate classification.

Color Diagnostics, LLC DBA Color Health
Classification: Benign for Hereditary cancer-predisposing syndrome. Last evaluated: 2024-09-17. Review status: criteria provided, single submitter. Criteria: ACMG Guidelines, 2015. Collection method: clinical testing. Allele origin: germline. Not counted in ClinVar's aggregate classification.

ARUP Laboratories, Molecular Genetics and Genomics, ARUP Laboratories
Classification: Benign. Last evaluated: 2024-06-27. Review status: criteria provided, single submitter. Criteria: ARUP Molecular Germline Variant Investigation Process 2024. Collection method: clinical testing. Allele origin: germline. Not counted in ClinVar's aggregate classification.

CeGaT Center for Human Genetics Tuebingen
Classification: Likely benign. Last evaluated: 2023-12-01. Review status: criteria provided, single submitter. Criteria: CeGaT Center For Human Genetics Tuebingen Variant Classification Criteria Version 2. Collection method: clinical testing. Allele origin: germline. Affected: yes. Observed: 4 variant alleles. Not counted in ClinVar's aggregate classification.
Comment: BRCA1: BP4

Women's Health and Genetics/Laboratory Corporation of America, LabCorp
Classification: Benign. Last evaluated: 2021-08-27. Review status: criteria provided, single submitter. Criteria: LabCorp Variant Classification Summary - May 2015. Collection method: clinical testing. Allele origin: germline. Not counted in ClinVar's aggregate classification.
Comment: Variant summary: BRCA1 c.3823A>G (p.Ile1275Val) results in a conservative amino acid change in the encoded protein sequence. Five of five in-silico tools predict a benign effect of the variant on protein function. The variant allele was found at a frequency of 0.00017 in 251142 control chromosomes, predominantly at a frequency of 0.0009 within the Latino subpopulation in the gnomAD database. This frequency is similar to the estimated maximum allele frequency expected for a pathogenic variant in BRCA1 causing Hereditary Breast and Ovarian Cancer Syndrome (0.0009 vs 0.001), suggesting that this variant could be a rare benign polymorphism found predominantly in populations of Latino origin. c.3823A>G has been reported in the literature in individuals affected with Hereditary Breast and Ovarian Cancer Syndrome, however without strong evidence for causality (example: Judkins_2005, Spearman_2008, Caux-Moncoutier_2009, Borg_2010, Lu_2012, Solano_2013, Dean_2015, Fernandes_2016, Kraus_2017, Brianese_2018, Germani_2018, Diaz-Zabala_2018, Zuntini_2018). These reports do not provide unequivocal conclusions about association of the variant with Hereditary Breast and Ovarian Cancer Syndrome. Co-occurrences with other pathogenic variants have been reported (BRCA2 c.8364G>A, p.Trp2788X in UMD database; BRCA2 c.3922G>T, p.Glu1308X in BIC database; BRCA2 c.9672dupA, p.Tyr3225fs in internal database), providing supporting evidence for a benign role. Several publications investigating the variant effect in-vitro reported no impact on splicing or allelic imbalance (example: Anczukow_2008, Caux-Montcoutier_2009), however to our knowledge, no experimental evidence evaluating an impact on protein function has been reported. Eleven other ClinVar submitters (evaluation after 2014) including an expert panel (ENIGMA) cite the variant as benign/likely benign (n=9) or uncertain significance (n=2). Based on the evidence outlined above, the variant was classified as benign.

Department of Pathology and Laboratory Medicine, Sinai Health System
Classification: Likely benign for Familial cancer of breast; Breast-ovarian cancer, familial, susceptibility to, 1; Fanconi anemia, complementation group S. Last evaluated: 2021-07-09. Review status: criteria provided, single submitter. Criteria: ACMG Guidelines, 2015. Collection method: clinical testing. Allele origin: germline. Affected: yes. Not counted in ClinVar's aggregate classification.

Sema4
Classification: Likely benign for Hereditary cancer-predisposing syndrome. Last evaluated: 2021-04-15. Review status: criteria provided, single submitter. Criteria: Sema4 Curation Guidelines. Collection method: curation. Allele origin: germline. Not counted in ClinVar's aggregate classification.

GeneDx
Classification: Likely benign. Last evaluated: 2021-03-23. Review status: criteria provided, single submitter. Criteria: GeneDx Variant Classification Process June 2021. Collection method: clinical testing. Allele origin: germline. Affected: yes. Not counted in ClinVar's aggregate classification.
Comment: This variant is associated with the following publications: (PMID: 31131967, 30400234, 30254663, 30263092, 22703879, 26580448, 21520273, 22476429, 21120943, 2693380, 24728327, 16267036, 28508593, 18824701, 15235020, 21990134, 27741520, 27616075, 20104584, 26543556, 19471317, 17924331, 22753008, 23961350)

Mendelics
Classification: Likely benign for Breast-ovarian cancer, familial, susceptibility to, 1. Last evaluated: 2019-05-28. Review status: criteria provided, single submitter. Criteria: Mendelics Assertion Criteria 2017. Collection method: clinical testing. Allele origin: unknown. Not counted in ClinVar's aggregate classification.

Genetic Services Laboratory, University of Chicago
Classification: Likely benign. Last evaluated: 2019-03-01. Review status: criteria provided, single submitter. Criteria: ACMG Guidelines, 2015. Collection method: clinical testing. Allele origin: germline. Affected: no. Not counted in ClinVar's aggregate classification.